The following is an entry in ClinVar:

ClinVar aggregate classification (germline): Pathogenic/Likely pathogenic. Review status: criteria provided, multiple submitters, no conflicts (2 of 4 stars). 6 submissions from 6 submitters: Pathogenic (3); Likely pathogenic (2). 1 of the submissions does not count toward it. Last evaluated 2026-02-11.

Conditions:
Cardiovascular phenotype. Identifiers: MedGen CN230736.
Dilated cardiomyopathy 1G (CMD1G). Identifiers: Orphanet 154, MedGen C1858763, MONDO:0011400, OMIM 604145.
Autosomal recessive limb-girdle muscular dystrophy type 2J (LGMDR10). Also called: MUSCULAR DYSTROPHY, LIMB-GIRDLE, AUTOSOMAL RECESSIVE 10; Limb-girdle muscular dystrophy, type 2J. Identifiers: Orphanet 140922, MedGen C1837342, MONDO:0012127, OMIM 608807.
Tibial muscular dystrophy (TMD). Also called: Udd Distal Myopathy – Tibial Muscular Dystrophy; Tibial muscular dystrophy, tardive; UDD MYOPATHY. Identifiers: Orphanet 609, MedGen C1838244, MONDO:0010870, OMIM 600334.
Myopathy, myofibrillar, 9, with early respiratory failure (MFM9). Also called: Hereditary myopathy with early respiratory failure; EDSTROM MYOPATHY; Myopathy, distal, with early respiratory failure, autosomal dominant; MYOPATHY, PROXIMAL, WITH EARLY RESPIRATORY MUSCLE INVOLVEMENT. Identifiers: Orphanet 178464, Orphanet 34521, MedGen C1863599, MONDO:0011362, OMIM 603689.
Early-onset myopathy with fatal cardiomyopathy (CMYO5). Also called: CONGENITAL MYOPATHY 5 WITH CARDIOMYOPATHY; Salih Myopathy. Identifiers: Orphanet 289377, MedGen C2673677, MONDO:0012714, OMIM 611705. Disease mechanism: loss of function.
Hypertrophic cardiomyopathy 9. Also called: Familial hypertrophic cardiomyopathy 9. Identifiers: MedGen C1861065, MONDO:0013412, OMIM 613765.
Primary dilated cardiomyopathy (DCM). Also called: Dilated Cardiomyopathy. Identifiers: Orphanet 217604, MedGen C0007193, MeSH D002311, MONDO:0005021, HP:0001644. Inheritance: Various modes of inheritance.

Allele frequency attached by ClinVar (database versions not stated): gnomAD 0.00001; TOPMed 0.00001; gnomAD exomes below 0.00001.
gnomAD v4.1: 3 of 1,612,456 alleles (0.00019%); highest among the groups gnomAD compares: South Asian, 0.0011%; no homozygotes.

Submissions (6):

Ambry Genetics
Classification: Pathogenic for Cardiovascular phenotype. Last evaluated: 2026-02-11. Review status: criteria provided, single submitter. Criteria: Ambry Variant Classification Scheme 2023. Collection method: clinical testing. Allele origin: germline.
Comment: The c.46651C>T (p.R15551*) alteration, located in exon 154 (coding exon 153) of the TTN gene, consists of a C to T substitution at nucleotide position 46651. This changes the amino acid from an arginine (R) to a stop codon at amino acid position 15551. This variant is expected to result in loss of function by premature protein truncation or nonsense-mediated mRNA decay. Based on data from gnomAD, the T allele has an overall frequency of <0.001% (1/247880) total alleles studied. The highest observed frequency was 0.003% (1/30560) of South Asian alleles. This variant has been detected in two individuals from a dilated cardiomyopathy cohort, and in an individual from a genome sequencing cohort who did not have cardiomyopathy at the time of study; however, details were limited (Hou, 2020; Mazzarotto, 2020). Note, this variant is also referred to as c.73846C>T, Arg24616* in the literature. This exon is located in the A-band region of the N2-B isoform of the titin protein and is constitutively expressed in TTN transcripts (percent spliced in or PSI 100%). While truncating variants in TTN are present in 1-3% of the general population, truncating variants in the A-band are the most common cause of dilated cardiomyopathy (Herman, 2012; Roberts, 2015). TTN truncating variants encoded in constitutive exons (PSI >90%) have been found to be significantly associated with DCM regardless of their position in titin (Schafer, 2017; Akhtar, 2020; Massier, 2025). Based on the available evidence, this alteration is classified as pathogenic.

Labcorp Genetics (formerly Invitae), Labcorp
Classification: Likely pathogenic for Dilated cardiomyopathy 1G; Autosomal recessive limb-girdle muscular dystrophy type 2J. Last evaluated: 2026-01-06. Review status: criteria provided, single submitter. Criteria: Invitae Variant Classification Sherloc (09022015). Collection method: clinical testing. Allele origin: germline.
Comment: This sequence change creates a premature translational stop signal (p.Arg24616*) in the TTN gene. While this is not anticipated to result in nonsense mediated decay, it is expected to create a truncated TTN protein. This variant is present in population databases (rs794729284, gnomAD 0.003%). This premature translational stop signal has been observed in individual(s) with clinical features of dilated cardiomyopathy (PMID: 31251381, 31983221, 32901917; internal data). ClinVar contains an entry for this variant (Variation ID: 202404). This variant is located in the A band of TTN (PMID: 25589632). Truncating variants in this region are significantly overrepresented in patients affected with dilated cardiomyopathy (PMID: 25589632). Truncating variants in this region have also been reported in individuals affected with autosomal recessive centronuclear myopathy (PMID: 23975875). In summary, the currently available evidence indicates that the variant is pathogenic, but additional data are needed to prove that conclusively. Therefore, this variant has been classified as Likely Pathogenic.

GeneDx
Classification: Pathogenic. Last evaluated: 2025-08-08. Review status: criteria provided, single submitter. Criteria: GeneDx Variant Classification Process June 2021. Collection method: clinical testing. Allele origin: germline. Affected: yes.
Comment: Identified in patients with DCM referred for genetic testing at GeneDx and in published literature including one patient who underwent whole exome sequencing and the variant was found to be de novo (PMID: 31251381); Not observed at significant frequency in large population cohorts (gnomAD); Nonsense variant predicted to result in protein truncation or nonsense mediated decay in a gene for which loss of function is a known mechanism of disease; This variant is associated with the following publications: (PMID: 31980526, 31983221, 32901917, 35982160, 37652022, 33996946, 35982159, 22335739, 32778822, 31251381)

Fulgent Genetics
Classification: Pathogenic for Tibial muscular dystrophy; Myopathy, myofibrillar, 9, with early respiratory failure; Dilated cardiomyopathy 1G; Autosomal recessive limb-girdle muscular dystrophy type 2J; Early-onset myopathy with fatal cardiomyopathy; Hypertrophic cardiomyopathy 9. Last evaluated: 2021-11-01. Review status: criteria provided, single submitter. Criteria: ACMG Guidelines, 2015. Collection method: clinical testing. Allele origin: unknown.

Laboratory for Molecular Medicine, Mass General Brigham Personalized Medicine
Classification: Likely pathogenic for Primary dilated cardiomyopathy. Last evaluated: 2018-07-10. Review status: criteria provided, single submitter. Criteria: ACMG Guidelines, 2015. Collection method: clinical testing. Allele origin: germline. Inheritance: Autosomal dominant inheritance.
Comment: The p.Arg22048X variant in TTN has not been previously reported in individuals with DCM but has been identified 1/30736 South Asian chromosomes by the Genome Aggregation Database (gnomAD,, dbSNP rs794729284). This variant has been reported in ClinVar (Variation ID 202404). This nonsense variant leads to a premature termination codon at position 22048, which is predicted to lead to a truncated or absent protein. Nonsense and other truncating variants in TTN are strongly associated with DCM if they impact the exons encoding for the A-band (Herman 2012, Pugh 2014) and/or are located in an exon that is highly expressed in the heart (Roberts 2015). The p.Arg22048X variant is located in A-band in the highly expressed exon 275. In summary, although additional studies are required to fully establish its clinical significance, the p.Arg22048X variant is likely pathogenic. ACMG/AMP criteria applied: PVS1, PM2.

Cardiogenetics and Myogenetics Molecular and Cellular Functional Unit, Aphp Sorbonne University-Hopital Pitie Salpetriere
Classification: Pathogenic for Dilated cardiomyopathy 1G. Last evaluated: 2024-01-06. Review status: no assertion criteria provided. Collection method: clinical testing. Allele origin: germline. Affected: yes. Not counted in ClinVar's aggregate classification.

Literature cited by the submitters: PubMed 22335739 (cited by Ambry Genetics); PubMed 25589632 (cited by Ambry Genetics and Labcorp Genetics (formerly Invitae), Labcorp); PubMed 27869827 (cited by Ambry Genetics); PubMed 31980526 (cited by Ambry Genetics); PubMed 31983221 (cited by Ambry Genetics and Labcorp Genetics (formerly Invitae), Labcorp); PubMed 32964742 (cited by Ambry Genetics); PubMed 39844436 (cited by Ambry Genetics); PubMed 31251381 (cited by Labcorp Genetics (formerly Invitae), Labcorp); PubMed 32901917 (cited by Labcorp Genetics (formerly Invitae), Labcorp); PubMed 23975875 (cited by Labcorp Genetics (formerly Invitae), Labcorp).

NM_001267550.2(TTN):c.73846C>T (p.Arg24616Ter)

Genes: TTN (titin; minus strand), TTN-AS1 (TTN antisense RNA 1; plus strand). Cytogenetic location: 2q31.2.
Variant type: single nucleotide variant.
Coding change: c.73846C>T on transcript NM_001267550.2 (MANE Select); coding-DNA position 73846, C replaced by T.
Protein change: p.Arg24616Ter; replaces arginine 24616 with a stop codon.
Molecular consequence: nonsense.
Genome position (GRCh38, 1-based): chr2:178,572,286, G>A on the plus strand (C>T on the coding strand, the complement: TTN is on the minus strand). VCF-style: chr2-178572286-G-A. GRCh37 (hg19) VCF-style: chr2-179437013-G-A.
Other names: p.R22975*:CGA>TGA; c.68923C>T, p.Arg22975Ter (NM_001256850.1); c.46651C>T, p.Arg15551Ter (NM_003319.4); c.66142C>T, p.Arg22048Ter (NM_133378.4); c.47026C>T, p.Arg15676Ter (NM_133432.3); c.47227C>T, p.Arg15743Ter (NM_133437.4); short protein forms R22975*, R24616*, R15676*, R15743*, R15551*, R22048*.
Identifiers: ClinVar variation 202404 (VCV000202404.60), dbSNP rs794729284, ClinGen allele CA309309.